The following is an entry in ClinVar:

ClinVar aggregate classification (germline): Uncertain significance (1 of 4 stars; one submission).

Conditions:
Epidermodysplasia verruciformis. Identifiers: Orphanet 302, MedGen C0014522, MONDO:0009176.

Submission:

Labcorp Genetics (formerly Invitae), Labcorp
Classification: Uncertain significance for Epidermodysplasia verruciformis. Last evaluated: 2023-11-27. Review status: criteria provided, single submitter. Criteria: Invitae Variant Classification Sherloc (09022015). Collection method: clinical testing. Allele origin: germline.
Comment: This sequence change replaces aspartic acid, which is acidic and polar, with histidine, which is basic and polar, at codon 326 of the TMC8 protein (p.Asp326His). This variant is not present in population databases (gnomAD no frequency). This variant has not been reported in the literature in individuals affected with TMC8-related conditions. ClinVar contains an entry for this variant (Variation ID: 1429602). Advanced modeling of protein sequence and biophysical properties (such as structural, functional, and spatial information, amino acid conservation, physicochemical variation, residue mobility, and thermodynamic stability) performed at Invitae indicates that this missense variant is not expected to disrupt TMC8 protein function with a negative predictive value of 80%. In summary, the available evidence is currently insufficient to determine the role of this variant in disease. Therefore, it has been classified as a Variant of Uncertain Significance.

NM_152468.5(TMC8):c.976G>C (p.Asp326His)

Gene: TMC8 (transmembrane channel like 8; plus strand). Cytogenetic location: 17q25.3.
Variant type: single nucleotide variant.
Coding change: c.976G>C on transcript NM_152468.5 (MANE Select); coding-DNA position 976, G replaced by C.
Protein change: p.Asp326His; replaces aspartic acid 326 with histidine.
Molecular consequence: missense variant.
Genome position (GRCh38, 1-based): chr17:78,134,553, G>C. VCF-style: chr17-78134553-G-C. GRCh37 (hg19) VCF-style: chr17-76130634-G-C.
Other names: short protein forms D326H.
Identifiers: ClinVar variation 1429602 (VCV001429602.8), dbSNP rs2145663991, ClinGen allele CA401245688.